The following is an entry in ClinVar:

NM_005419.4(STAT2):c.2196G>C (p.Glu732Asp)

Gene: STAT2 (signal transducer and activator of transcription 2; minus strand). Cytogenetic location: 12q13.3.
Variant type: single nucleotide variant.
Coding change: c.2196G>C on transcript NM_005419.4 (MANE Select); coding-DNA position 2196, G replaced by C.
Protein change: p.Glu732Asp; replaces glutamic acid 732 with aspartic acid.
Molecular consequence: missense variant.
Genome position (GRCh38, 1-based): chr12:56,344,042, C>G on the plus strand (G>C on the coding strand, the complement: STAT2 is on the minus strand). VCF-style: chr12-56344042-C-G. GRCh37 (hg19) VCF-style: chr12-56737826-C-G.
Other names: c.2163G>C, p.Glu721Asp (NM_001385110.1); c.2097G>C, p.Glu699Asp (NM_001385111.1); c.2196G>C, p.Glu732Asp (NM_001385113.1); c.2175G>C, p.Glu725Asp (NM_001385114.1); c.2154G>C, p.Glu718Asp (NM_001385115.1); c.2184G>C, p.Glu728Asp (NM_198332.2); c.2196G>C (NM_005419.3); short protein forms E699D, E725D, E728D, E732D, E718D, E721D.
Identifiers: ClinVar variation 2190563 (VCV002190563.3), dbSNP rs765587705, ClinGen allele CA6630291.
Genomic context (GRCh38, chr12:56,344,042, plus strand): 5'-CTCTAGCTCTGGCCCCAGATCCAGCCCTGCCTTCAGCAGTGGCTCTAAGTCCAGGCTGAG[C>G]TCTGGCTCTGGCACCAGCCCTAGTTCCAGCTCTAATGACTCCAGCTCTGGCTCTGGCTTA-3'
Protein context (NP_005410.1, residues 722-742): ELELGLVPEP[Glu732Asp]LSLDLEPLLK

ClinVar aggregate classification (germline): Uncertain significance. Review status: criteria provided, multiple submitters, no conflicts (2 of 4 stars). 2 submissions from 2 submitters: Uncertain significance (2). Last evaluated 2023-09-30.

Conditions:
Inborn genetic diseases. Identifiers: MedGen C0950123, MeSH D030342.
Primary immunodeficiency with post-measles-mumps-rubella vaccine viral infection. Also called: Immunodeficiency 44. Identifiers: Orphanet 431166, MedGen C4225260, MONDO:0014715, OMIM 616636.

Allele frequency attached by ClinVar (database versions not stated): gnomAD exomes 0.00001; TOPMed 0.00002; ExAC 0.00005.
gnomAD v4.1: 8 of 1,612,174 alleles (0.0005%); highest among the groups gnomAD compares: Admixed American, 0.013%; no homozygotes.

Submissions (2):

Labcorp Genetics (formerly Invitae), Labcorp
Classification: Uncertain significance for Primary immunodeficiency with post-measles-mumps-rubella vaccine viral infection. Last evaluated: 2023-09-30. Review status: criteria provided, single submitter. Criteria: Invitae Variant Classification Sherloc (09022015). Collection method: clinical testing. Allele origin: germline.
Comment: Advanced modeling of protein sequence and biophysical properties (such as structural, functional, and spatial information, amino acid conservation, physicochemical variation, residue mobility, and thermodynamic stability) performed at Invitae indicates that this missense variant is not expected to disrupt STAT2 protein function. In summary, the available evidence is currently insufficient to determine the role of this variant in disease. Therefore, it has been classified as a Variant of Uncertain Significance. ClinVar contains an entry for this variant (Variation ID: 2190563). This variant has not been reported in the literature in individuals affected with STAT2-related conditions. This variant is present in population databases (rs765587705, gnomAD 0.02%). This sequence change replaces glutamic acid, which is acidic and polar, with aspartic acid, which is acidic and polar, at codon 732 of the STAT2 protein (p.Glu732Asp).

Ambry Genetics
Classification: Uncertain significance for Inborn genetic diseases. Last evaluated: 2021-06-22. Review status: criteria provided, single submitter. Criteria: Ambry Variant Classification Scheme 2023. Collection method: clinical testing. Allele origin: germline.